The following is an entry in ClinVar:

ClinVar aggregate classification (germline): Uncertain significance (1 of 4 stars; one submission).

Submission:

Labcorp Genetics (formerly Invitae), Labcorp
Classification: Uncertain significance. Last evaluated: 2024-04-01. Review status: criteria provided, single submitter. Criteria: Invitae Variant Classification Sherloc (09022015). Collection method: clinical testing. Allele origin: germline.
Comment: This sequence change replaces proline, which is neutral and non-polar, with alanine, which is neutral and non-polar, at codon 302 of the MAPKAPK3 protein (p.Pro302Ala). This variant is not present in population databases (gnomAD no frequency). This variant has not been reported in the literature in individuals affected with MAPKAPK3-related conditions. An algorithm developed to predict the effect of missense changes on protein structure and function (PolyPhen-2) suggests that this variant is likely to be tolerated. In summary, the available evidence is currently insufficient to determine the role of this variant in disease. Therefore, it has been classified as a Variant of Uncertain Significance.

NM_001243925.2(MAPKAPK3):c.904C>G (p.Pro302Ala)

Gene: MAPKAPK3 (MAPK activated protein kinase 3; plus strand). Cytogenetic location: 3p21.2.
Variant type: single nucleotide variant.
Coding change: c.904C>G on transcript NM_001243925.2 (MANE Select); coding-DNA position 904, C replaced by G.
Protein change: p.Pro302Ala; replaces proline 302 with alanine.
Molecular consequence: missense variant.
Genome position (GRCh38, 1-based): chr3:50,646,814, C>G. VCF-style: chr3-50646814-C-G. GRCh37 (hg19) VCF-style: chr3-50684245-C-G.
Other names: c.904C>G, p.Pro302Ala (NM_001243926.2, NM_004635.5); short protein forms P302A.
Identifiers: ClinVar variation 3648335 (VCV003648335.2).